The following is an entry in ClinVar:

NM_203446.3(SYNJ1):c.359G>A (p.Arg120Gln)

Gene: SYNJ1 (synaptojanin 1; minus strand). Cytogenetic location: 21q22.11.
Variant type: single nucleotide variant.
Coding change: c.359G>A on transcript NM_203446.3 (MANE Select); coding-DNA position 359, G replaced by A.
Protein change: p.Arg120Gln; replaces arginine 120 with glutamine.
Molecular consequence: missense variant.
Genome position (GRCh38, 1-based): chr21:32,699,958, C>T on the plus strand (G>A on the coding strand, the complement: SYNJ1 is on the minus strand). VCF-style: chr21-32699958-C-T. GRCh37 (hg19) VCF-style: chr21-34072268-C-T.
Other names: c.359G>A, p.Arg120Gln (NM_001160302.2, NM_001160306.2); c.476G>A, p.Arg159Gln (NM_003895.4); short protein forms R120Q, R159Q.
Identifiers: ClinVar variation 1026655 (VCV001026655.9), dbSNP rs768435291, ClinGen allele CA10004146.

ClinVar aggregate classification (germline): Uncertain significance. Review status: criteria provided, multiple submitters, no conflicts (2 of 4 stars). 2 submissions from 2 submitters: Uncertain significance (2). Last evaluated 2023-07-07.

Conditions:
Developmental and epileptic encephalopathy, 53. Also called: Epileptic encephalopathy, early infantile, 53. Identifiers: MedGen C4479313, MONDO:0033362, OMIM 617389.
Early-onset Parkinson disease 20. Also called: PARKINSON DISEASE 20, AUTOSOMAL RECESSIVE EARLY-ONSET. Identifiers: Orphanet 391411, MedGen C3809824, MONDO:0014233, OMIM 615530.

Allele frequency attached by ClinVar (database versions not stated): ExAC 0.00002; gnomAD exomes 0.00002; gnomAD 0.00003 and 0.00004; TOPMed 0.00003.
gnomAD v4.1: 36 of 1,614,028 alleles (0.0022%); highest among the groups gnomAD compares: African/African-American, 0.004%; no homozygotes.

Submissions (2):

Labcorp Genetics (formerly Invitae), Labcorp
Classification: Uncertain significance for Developmental and epileptic encephalopathy, 53; Early-onset Parkinson disease 20. Last evaluated: 2023-07-07. Review status: criteria provided, single submitter. Criteria: Invitae Variant Classification Sherloc (09022015). Collection method: clinical testing. Allele origin: germline.
Comment: This variant is present in population databases (rs768435291, gnomAD 0.007%). In summary, the available evidence is currently insufficient to determine the role of this variant in disease. Therefore, it has been classified as a Variant of Uncertain Significance. Advanced modeling of protein sequence and biophysical properties (such as structural, functional, and spatial information, amino acid conservation, physicochemical variation, residue mobility, and thermodynamic stability) performed at Invitae indicates that this missense variant is not expected to disrupt SYNJ1 protein function. ClinVar contains an entry for this variant (Variation ID: 1026655). This variant has not been reported in the literature in individuals affected with SYNJ1-related conditions. This sequence change replaces arginine, which is basic and polar, with glutamine, which is neutral and polar, at codon 159 of the SYNJ1 protein (p.Arg159Gln).

GeneDx
Classification: Uncertain significance. Last evaluated: 2019-08-23. Review status: criteria provided, single submitter. Criteria: GeneDx Variant Classification Process June 2021. Collection method: clinical testing. Allele origin: germline. Affected: yes.
Comment: Not observed at a significant frequency in large population cohorts (Lek et al., 2016); In silico analysis, which includes protein predictors and evolutionary conservation, supports a deleterious effect; Has not been previously published as pathogenic or benign to our knowledge